The following is an entry in ClinVar:

ClinVar aggregate classification (germline): Uncertain significance (1 of 4 stars; one submission).

Submission:

Labcorp Genetics (formerly Invitae), Labcorp
Classification: Uncertain significance. Last evaluated: 2022-03-15. Review status: criteria provided, single submitter. Criteria: Invitae Variant Classification Sherloc (09022015). Collection method: clinical testing. Allele origin: germline.
Comment: Algorithms developed to predict the effect of missense changes on protein structure and function (SIFT, PolyPhen-2, Align-GVGD) all suggest that this variant is likely to be disruptive. In summary, the available evidence is currently insufficient to determine the role of this variant in disease. Therefore, it has been classified as a Variant of Uncertain Significance. This sequence change replaces arginine, which is basic and polar, with lysine, which is basic and polar, at codon 2591 of the SZT2 protein (p.Arg2591Lys). This variant has not been reported in the literature in individuals affected with SZT2-related conditions. This variant is not present in population databases (gnomAD no frequency).

NM_001365999.1(SZT2):c.7943G>A (p.Arg2648Lys)

Gene: SZT2 (SZT2 subunit of KICSTOR complex; plus strand). Cytogenetic location: 1p34.2.
Variant type: single nucleotide variant.
Coding change: c.7943G>A on transcript NM_001365999.1 (MANE Select); coding-DNA position 7943, G replaced by A.
Protein change: p.Arg2648Lys; replaces arginine 2648 with lysine.
Molecular consequence: missense variant.
Genome position (GRCh38, 1-based): chr1:43,442,337, G>A. VCF-style: chr1-43442337-G-A. GRCh37 (hg19) VCF-style: chr1-43908008-G-A.
Other names: c.7772G>A, p.Arg2591Lys (NM_015284.4); short protein forms R2648K, R2591K.
Identifiers: ClinVar variation 2112416 (VCV002112416.4), dbSNP rs2545852953, ClinGen allele CA340037175.
Genomic context (GRCh38, chr1:43,442,337, plus strand): 5'-CCATGCAGCGCTTCGAGCCAGGAGGTGATGGGAGCTCAGGGCGAAATGCTCCCCGGCAGA[G>A]GCTCTTGCTACTAGAGGTTGTGGACAAGAAGGTAAATATGGGGCCAGGGACTGGGTGGGA-3'
Protein context (NP_001352928.1, residues 2638-2658): GSSGRNAPRQ[Arg2648Lys]LLLLEVVDKK